The following is an entry in ClinVar:

ClinVar aggregate classification (germline): Likely pathogenic (1 of 4 stars; one submission).

Conditions:
Bilateral frontoparietal polymicrogyria. Also called: CEREBELLAR ATAXIA WITH NEURONAL MIGRATION DEFECT; CORTICAL DYSPLASIA, COMPLEX, WITH OTHER BRAIN MALFORMATIONS 14A (BILATERAL FRONTOPARIETAL). Identifiers: Orphanet 101070, MedGen C1847352, MONDO:0011738, OMIM 606854.

Submission:

Natera, Inc.
Classification: Likely pathogenic for Bilateral frontoparietal polymicrogyria. Last evaluated: 2025-06-23. Review status: criteria provided, single submitter. Criteria: Natera Variant Classification Schema (03/2026). Collection method: clinical testing. Allele origin: germline.
Comment: The c.1883_1885delTCT variant in ADGRG1 is an in-frame deletion predicted to remove phenylalanine at amino acid 628 while preserving the reading frame. This variant is rare in the general population with a frequency below the threshold expected for the associated phenotype(s). This variant has been observed in one or more individuals affected with the associated recessive disease, as either homozygous or compound heterozygous with a second variant (PMID: 33726816). This variant results in a change to the protein length while preserving reading frame, which may disrupt normal protein structure or function. Computational prediction algorithms indicate this variant is likely to affect gene or protein function. Given the available evidence, this variant is classified as Likely Pathogenic.

Literature cited by the submitters: PubMed 33726816.

NM_201525.4(ADGRG1):c.1859TCT[2] (p.Phe622del)

Gene: ADGRG1 (adhesion G protein-coupled receptor G1; plus strand). Cytogenetic location: 16q21.
Variant type: Microsatellite.
Coding change: c.1859TCT[2] on transcript NM_201525.4 (MANE Select); two copies in a row of the 3-base unit TCT starting at c.1859; the reference has three copies in a row; one copy, 3 bases deleted.
Protein change: p.Phe622del; deletes phenylalanine 622.
Molecular consequence: inframe deletion.
Genome position (GRCh38, 1-based): chr16:57,661,897-57,661,899, TCT deleted; deleting any 3 consecutive bases within chr16:57,661,891-57,661,899 gives the same sequence; the position shown is the placement nearest the transcript's 3' end. VCF-style (leftmost placement, unchanged base first): chr16-57661890-ATCT-A. GRCh37 (hg19) VCF-style: chr16-57695802-ATCT-A.
Other names: c.1334TCT[2], p.Phe447del (NM_001370451.1, NM_001370453.1, NM_001370454.1 and 1 more transcripts); c.1877TCT[2], p.Phe628del (NM_005682.7, NM_001370428.1, NM_001370429.1 and 4 more transcripts); c.1859TCT[2], p.Phe622del (NM_201524.4, NM_001370435.1, NM_001370436.1 and 7 more transcripts); c.1856TCT[2], p.Phe621del (NM_001370441.1); c.1703TCT[2], p.Phe570del (NM_001370442.1); c.1367TCT[2], p.Phe458del (NM_001290142.2); c.1352TCT[2], p.Phe453del (NM_001290143.2); c.1874TCT[2], p.Phe627del (NM_001370433.1, NM_001370434.1, NM_001145773.3); short protein forms F447del, F453del, F458del, F570del, F621del, F622del, F627del, F628del.
Identifiers: ClinVar variation 4815448 (VCV004815448.1).